The following is an entry in ClinVar:

NM_001211.6(BUB1B):c.256G>A (p.Glu86Lys)

Gene: BUB1B (BUB1 mitotic checkpoint serine/threonine kinase B; plus strand). Cytogenetic location: 15q15.1.
Variant type: single nucleotide variant.
Coding change: c.256G>A on transcript NM_001211.6 (MANE Select); coding-DNA position 256, G replaced by A.
Protein change: p.Glu86Lys; replaces glutamic acid 86 with lysine.
Molecular consequence: missense variant.
Genome position (GRCh38, 1-based): chr15:40,170,553, G>A. VCF-style: chr15-40170553-G-A. GRCh37 (hg19) VCF-style: chr15-40462754-G-A.
Other names: short protein forms E86K.
Identifiers: ClinVar variation 962596 (VCV000962596.10), dbSNP rs2037149727, ClinGen allele CA391678914.
Genomic context (GRCh38, chr15:40,170,553, plus strand): 5'-ATGTTCAATTTAAAATGTGTTCTTATCTTTTTCCTCCCATTTAGGTATATCAGCTGGACA[G>A]AGCAGAACTATCCTCAAGGTGGGAAGGAGAGTAATATGTCAACGTTATTAGAAAGAGCTG-3'
Protein context (NP_001202.5, residues 76-96): DVWDRYISWT[Glu86Lys]QNYPQGGKES

ClinVar aggregate classification (germline): Uncertain significance. Review status: criteria provided, multiple submitters, no conflicts (2 of 4 stars). 2 submissions from 2 submitters: Uncertain significance (2). Last evaluated 2026-04-19.

Conditions:
Inborn genetic diseases. Identifiers: MedGen C0950123, MeSH D030342.
Mosaic variegated aneuploidy syndrome 1 (MVA1). Also called: Warburton-Anyane-Yeboa syndrome. Identifiers: Orphanet 1052, MedGen C1850343, MONDO:0009759, OMIM 257300.

gnomAD v4.1: 2 of 1,613,658 alleles (0.00012%); highest among the groups gnomAD compares: South Asian, 0.0011%; no homozygotes.

Submissions (2):

Ambry Genetics
Classification: Uncertain significance for Inborn genetic diseases. Last evaluated: 2026-04-19. Review status: criteria provided, single submitter. Criteria: Ambry Variant Classification Scheme 2023. Collection method: clinical testing. Allele origin: germline.
Comment: The p.E86K variant (also known as c.256G>A), located in coding exon 4 of the BUB1B gene, results from a G to A substitution at nucleotide position 256. The glutamic acid at codon 86 is replaced by lysine, an amino acid with similar properties. This amino acid position is conserved. In addition, the in silico prediction for this alteration is inconclusive. Based on the available evidence, the clinical significance of this variant remains unclear.

Labcorp Genetics (formerly Invitae), Labcorp
Classification: Uncertain significance for Mosaic variegated aneuploidy syndrome 1. Last evaluated: 2019-07-19. Review status: criteria provided, single submitter. Criteria: Invitae Variant Classification Sherloc (09022015). Collection method: clinical testing. Allele origin: germline.
Comment: In summary, the available evidence is currently insufficient to determine the role of this variant in disease. Therefore, it has been classified as a Variant of Uncertain Significance. Algorithms developed to predict the effect of missense changes on protein structure and function are either unavailable or do not agree on the potential impact of this missense change (SIFT: "Tolerated"; PolyPhen-2: "Probably Damaging"; Align-GVGD: "Class C0"). This variant has not been reported in the literature in individuals with BUB1B-related conditions. This variant is not present in population databases (ExAC no frequency). This sequence change replaces glutamic acid with lysine at codon 86 of the BUB1B protein (p.Glu86Lys). The glutamic acid residue is moderately conserved and there is a small physicochemical difference between glutamic acid and lysine.